The following is an entry in ClinVar:

NM_001111125.3(IQSEC2):c.4056G>C (p.Gln1352His)

Gene: IQSEC2 (IQ motif and Sec7 domain ArfGEF 2; minus strand). Cytogenetic location: Xp11.22.
Variant type: single nucleotide variant.
Coding change: c.4056G>C on transcript NM_001111125.3 (MANE Select); coding-DNA position 4056, G replaced by C.
Protein change: p.Gln1352His; replaces glutamine 1352 with histidine.
Molecular consequence: missense variant. On other transcripts: 3 prime UTR variant (2).
Genome position (GRCh38, 1-based): chrX:53,234,630, C>G on the plus strand (G>C on the coding strand, the complement: IQSEC2 is on the minus strand). VCF-style: chrX-53234630-C-G. GRCh37 (hg19) VCF-style: chrX-53263812-C-G.
Other names: c.*541G>C (NM_001410736.1, NM_015075.2); short protein forms Q1352H.
Identifiers: ClinVar variation 2781192 (VCV002781192.3), dbSNP rs2519670097, ClinGen allele CA413139680.

ClinVar aggregate classification (germline): Uncertain significance (1 of 4 stars; one submission).

Conditions:
Intellectual developmental disorder, X-linked 1. Also called: Atkin Flaitz Patil Smith syndrome; Intellectual disability, X-linked 1; MENTAL RETARDATION, X-LINKED 18; MENTAL RETARDATION, X-LINKED 78. Identifiers: Orphanet 777, MedGen C2931498, MONDO:0010656, OMIM 309530.

Allele frequency attached by ClinVar (database versions not stated): gnomAD exomes below 0.00001.
gnomAD v4.1: 1 of 1,137,424 alleles (0.000088%); highest among the groups gnomAD compares: East Asian, 0.0033%; no homozygotes.

Submission:

Labcorp Genetics (formerly Invitae), Labcorp
Classification: Uncertain significance for Intellectual developmental disorder, X-linked 1. Last evaluated: 2023-02-14. Review status: criteria provided, single submitter. Criteria: Invitae Variant Classification Sherloc (09022015). Collection method: clinical testing. Allele origin: germline.
Comment: This sequence change replaces glutamine, which is neutral and polar, with histidine, which is basic and polar, at codon 1352 of the IQSEC2 protein (p.Gln1352His). In summary, the available evidence is currently insufficient to determine the role of this variant in disease. Therefore, it has been classified as a Variant of Uncertain Significance. Advanced modeling of protein sequence and biophysical properties (such as structural, functional, and spatial information, amino acid conservation, physicochemical variation, residue mobility, and thermodynamic stability) performed at Invitae indicates that this missense variant is not expected to disrupt IQSEC2 protein function. This variant has not been reported in the literature in individuals affected with IQSEC2-related conditions. This variant is not present in population databases (gnomAD no frequency).